The following is an entry in ClinVar:

ClinVar aggregate classification (germline): Uncertain significance. Review status: criteria provided, multiple submitters, no conflicts (2 of 4 stars). 2 submissions from 2 submitters: Uncertain significance (2). Last evaluated 2025-11-26.

Conditions:
Inborn genetic diseases. Identifiers: MedGen C0950123, MeSH D030342.

Allele frequency attached by ClinVar (database versions not stated): TOPMed 0.00001; ExAC 0.00002.
gnomAD v4.1: 10 of 1,613,934 alleles (0.00062%); highest among the groups gnomAD compares: South Asian, 0.0066%; no homozygotes.

Submissions (2):

Ambry Genetics
Classification: Uncertain significance for Inborn genetic diseases. Last evaluated: 2025-11-26. Review status: criteria provided, single submitter. Criteria: Ambry Variant Classification Scheme 2023. Collection method: clinical testing. Allele origin: germline.

Labcorp Genetics (formerly Invitae), Labcorp
Classification: Uncertain significance. Last evaluated: 2022-09-27. Review status: criteria provided, single submitter. Criteria: Invitae Variant Classification Sherloc (09022015). Collection method: clinical testing. Allele origin: germline.
Comment: This sequence change replaces aspartic acid, which is acidic and polar, with asparagine, which is neutral and polar, at codon 65 of the KCNV2 protein (p.Asp65Asn). This variant is present in population databases (rs745416881, gnomAD 0.006%). This variant has not been reported in the literature in individuals affected with KCNV2-related conditions. ClinVar contains an entry for this variant (Variation ID: 1016749). Advanced modeling of protein sequence and biophysical properties (such as structural, functional, and spatial information, amino acid conservation, physicochemical variation, residue mobility, and thermodynamic stability) performed at Invitae indicates that this missense variant is not expected to disrupt KCNV2 protein function. In summary, the available evidence is currently insufficient to determine the role of this variant in disease. Therefore, it has been classified as a Variant of Uncertain Significance.

NM_133497.4(KCNV2):c.193G>A (p.Asp65Asn)

Gene: KCNV2 (potassium voltage-gated channel modifier subfamily V member 2; plus strand). Cytogenetic location: 9p24.2.
Variant type: single nucleotide variant.
Coding change: c.193G>A on transcript NM_133497.4 (MANE Select); coding-DNA position 193, G replaced by A.
Protein change: p.Asp65Asn; replaces aspartic acid 65 with asparagine.
Molecular consequence: missense variant.
Genome position (GRCh38, 1-based): chr9:2,717,932, G>A. VCF-style: chr9-2717932-G-A. GRCh37 (hg19) VCF-style: chr9-2717932-G-A.
Other names: c.193G>A (NM_133497.3); short protein forms D65N.
Identifiers: ClinVar variation 1016749 (VCV001016749.7), dbSNP rs745416881, ClinGen allele CA4965358.